The following is an entry in ClinVar:

NM_004493.3(HSD17B10):c.223C>G (p.Leu75Val)

Gene: HSD17B10 (hydroxysteroid 17-beta dehydrogenase 10; minus strand). Cytogenetic location: Xp11.22.
Variant type: single nucleotide variant.
Coding change: c.223C>G on transcript NM_004493.3 (MANE Select); coding-DNA position 223, C replaced by G.
Protein change: p.Leu75Val; replaces leucine 75 with valine.
Molecular consequence: missense variant.
Genome position (GRCh38, 1-based): chrX:53,432,381, G>C on the plus strand (C>G on the coding strand, the complement: HSD17B10 is on the minus strand). VCF-style: chrX-53432381-G-C. GRCh37 (hg19) VCF-style: chrX-53459329-G-C.
Other names: c.223C>G, p.Leu75Val (NM_001037811.2); short protein forms L75V.
Identifiers: ClinVar variation 435471 (VCV000435471.8), dbSNP rs374438347, ClinGen allele CA10421027.

ClinVar aggregate classification (germline): Conflicting classifications of pathogenicity. Review status: criteria provided, conflicting classifications (1 of 4 stars). 3 submissions from 3 submitters: Uncertain significance (2); Likely benign (1). Last evaluated 2025-04-28.

Conditions:
Inborn genetic diseases. Identifiers: MedGen C0950123, MeSH D030342.

Allele frequency attached by ClinVar (database versions not stated): TOPMed 0.00009; gnomAD exomes 0.00005; gnomAD 0.00007 and 0.00006; ExAC 0.00006; ESP Exome Variant Server 0.00019.
gnomAD v4.1: 113 of 1,208,058 alleles (0.0094%); highest among the groups gnomAD compares: Non-Finnish European, 0.012%; no homozygotes.

Submissions (3):

Ambry Genetics
Classification: Likely benign for Inborn genetic diseases. Last evaluated: 2025-04-28. Review status: criteria provided, single submitter. Criteria: Ambry Variant Classification Scheme 2023. Collection method: clinical testing. Allele origin: germline.

Labcorp Genetics (formerly Invitae), Labcorp
Classification: Uncertain significance. Last evaluated: 2024-12-15. Review status: criteria provided, single submitter. Criteria: Invitae Variant Classification Sherloc (09022015). Collection method: clinical testing. Allele origin: germline.
Comment: This sequence change replaces leucine, which is neutral and non-polar, with valine, which is neutral and non-polar, at codon 75 of the HSD17B10 protein (p.Leu75Val). This variant is present in population databases (rs374438347, gnomAD 0.009%). This variant has not been reported in the literature in individuals affected with HSD17B10-related conditions. ClinVar contains an entry for this variant (Variation ID: 435471). Invitae Evidence Modeling of protein sequence and biophysical properties (such as structural, functional, and spatial information, amino acid conservation, physicochemical variation, residue mobility, and thermodynamic stability) indicates that this missense variant is not expected to disrupt HSD17B10 protein function with a negative predictive value of 80%. In summary, the available evidence is currently insufficient to determine the role of this variant in disease. Therefore, it has been classified as a Variant of Uncertain Significance.

Genetic Services Laboratory, University of Chicago
Classification: Uncertain significance. Last evaluated: 2017-05-26. Review status: criteria provided, single submitter. Criteria: ACMG Guidelines, 2015. Collection method: clinical testing. Allele origin: germline. Affected: no.